The following is an entry in ClinVar:

ClinVar aggregate classification (germline): Uncertain significance (1 of 4 stars; one submission).

Conditions:
Inborn genetic diseases. Identifiers: MedGen C0950123, MeSH D030342.

Allele frequency attached by ClinVar (database versions not stated): ExAC 0.00002.
gnomAD v4.1: 9 of 1,614,030 alleles (0.00056%); highest among the groups gnomAD compares: East Asian, 0.02%; no homozygotes.

Submission:

Ambry Genetics
Classification: Uncertain significance for Inborn genetic diseases. Last evaluated: 2023-10-23. Review status: criteria provided, single submitter. Criteria: Ambry Variant Classification Scheme 2023. Collection method: clinical testing. Allele origin: germline.
Comment: The p.S254N variant (also known as c.761G>A), located in coding exon 6 of the F5 gene, results from a G to A substitution at nucleotide position 761. The serine at codon 254 is replaced by asparagine, an amino acid with highly similar properties. This amino acid position is conserved. In addition, the in silico prediction for this alteration is inconclusive. Since supporting evidence is limited at this time, the clinical significance of this alteration remains unclear.

NM_000130.5(F5):c.761G>A (p.Ser254Asn)

Gene: F5 (coagulation factor V; minus strand). Cytogenetic location: 1q24.2.
Variant type: single nucleotide variant.
Coding change: c.761G>A on transcript NM_000130.5 (MANE Select); coding-DNA position 761, G replaced by A.
Protein change: p.Ser254Asn; replaces serine 254 with asparagine.
Molecular consequence: missense variant.
Genome position (GRCh38, 1-based): chr1:169,556,837, C>T on the plus strand (G>A on the coding strand, the complement: F5 is on the minus strand). VCF-style: chr1-169556837-C-T. GRCh37 (hg19) VCF-style: chr1-169526075-C-T.
Other names: short protein forms S254N.
Identifiers: ClinVar variation 3230350 (VCV003230350.1), dbSNP rs775430046, ClinGen allele CA1234515.